The following is an entry in ClinVar:

NM_198506.5(LRIT3):c.821G>A (p.Arg274Gln)

Gene: LRIT3 (leucine rich repeat, Ig-like and transmembrane domains 3; plus strand). Cytogenetic location: 4q25.
Variant type: single nucleotide variant.
Coding change: c.821G>A on transcript NM_198506.5 (MANE Select); coding-DNA position 821, G replaced by A.
Protein change: p.Arg274Gln; replaces arginine 274 with glutamine.
Molecular consequence: missense variant.
Genome position (GRCh38, 1-based): chr4:109,867,872, G>A. VCF-style: chr4-109867872-G-A. GRCh37 (hg19) VCF-style: chr4-110789028-G-A.
Other names: c.686G>A (NM_198506.2); short protein forms R274Q.
Identifiers: ClinVar variation 863588 (VCV000863588.7), dbSNP rs751470431, ClinGen allele CA3043063.

ClinVar aggregate classification (germline): Uncertain significance. Review status: criteria provided, multiple submitters, no conflicts (2 of 4 stars). 3 submissions from 3 submitters: Uncertain significance (3). Last evaluated 2024-05-16.

Conditions:
Inborn genetic diseases. Identifiers: MedGen C0950123, MeSH D030342.

Allele frequency attached by ClinVar (database versions not stated): ExAC 0.00001; gnomAD 0.00001; gnomAD exomes 0.00001; TOPMed 0.00002.
gnomAD v4.1: 29 of 1,613,912 alleles (0.0018%); highest among the groups gnomAD compares: Non-Finnish European, 0.002%; no homozygotes.

Submissions (3):

Blueprint Genetics
Classification: Uncertain significance. Last evaluated: 2024-05-16. Review status: criteria provided, single submitter. Criteria: ACMG Guidelines, 2015. Collection method: clinical testing. Allele origin: germline.

Ambry Genetics
Classification: Uncertain significance for Inborn genetic diseases. Last evaluated: 2023-06-28. Review status: criteria provided, single submitter. Criteria: Ambry Variant Classification Scheme 2023. Collection method: clinical testing. Allele origin: germline.

Labcorp Genetics (formerly Invitae), Labcorp
Classification: Uncertain significance. Last evaluated: 2020-09-04. Review status: criteria provided, single submitter. Criteria: Invitae Variant Classification Sherloc (09022015). Collection method: clinical testing. Allele origin: germline.
Comment: In summary, the available evidence is currently insufficient to determine the role of this variant in disease. Therefore, it has been classified as a Variant of Uncertain Significance. Algorithms developed to predict the effect of sequence changes on RNA splicing suggest that this variant may create or strengthen a splice site, but this prediction has not been confirmed by published transcriptional studies. This variant has not been reported in the literature in individuals with LRIT3-related conditions. Algorithms developed to predict the effect of missense changes on protein structure and function (SIFT, PolyPhen-2, Align-GVGD) all suggest that this variant is likely to be disruptive, but these predictions have not been confirmed by published functional studies and their clinical significance is uncertain. This variant is present in population databases (rs751470431, ExAC 0.01%). This sequence change replaces arginine with glutamine at codon 274 of the LRIT3 protein (p.Arg274Gln). The arginine residue is highly conserved and there is a small physicochemical difference between arginine and glutamine.